The following is an entry in ClinVar:

ClinVar aggregate classification (germline): Likely benign. Review status: criteria provided, multiple submitters, no conflicts (2 of 4 stars). 3 submissions from 3 submitters: Likely benign (2). 1 of the submissions does not count toward it. Last evaluated 2025-11-25.

Conditions:
NOTCH2-related disorder. Also called: NOTCH2-related condition.
Alagille syndrome due to a NOTCH2 point mutation. Also called: Alagille syndrome 2. Identifiers: Orphanet 261629, Orphanet 52, MedGen C1857761, MONDO:0012439, OMIM 610205.
Hajdu-Cheney syndrome (HJCYS). Also called: ACROOSTEOLYSIS WITH OSTEOPOROSIS AND CHANGES IN SKULL AND MANDIBLE; Acroosteolysis dominant type; SERPENTINE FIBULA-POLYCYSTIC KIDNEY SYNDROME. Identifiers: Orphanet 955, MedGen C0917715, MONDO:0007057, OMIM 102500.

Allele frequency attached by ClinVar (database versions not stated): gnomAD exomes 0.00002 and 0.00007; TOPMed 0.00005; gnomAD 0.00007; ExAC 0.00008.
gnomAD v4.1: 43 of 1,608,154 alleles (0.0027%); highest among the groups gnomAD compares: African/African-American, 0.024%; 1 homozygote.

Submissions (3):

Labcorp Genetics (formerly Invitae), Labcorp
Classification: Likely benign for Hajdu-Cheney syndrome. Last evaluated: 2025-11-25. Review status: criteria provided, single submitter. Criteria: Invitae Variant Classification Sherloc (09022015). Collection method: clinical testing. Allele origin: germline.

Fulgent Genetics
Classification: Likely benign for Hajdu-Cheney syndrome; Alagille syndrome due to a NOTCH2 point mutation. Last evaluated: 2021-12-27. Review status: criteria provided, single submitter. Criteria: ACMG Guidelines, 2015. Collection method: clinical testing. Allele origin: unknown.

PreventionGenetics, part of Exact Sciences
Classification: Uncertain significance for NOTCH2-related condition. Last evaluated: 2024-07-31. Review status: no assertion criteria provided. Collection method: clinical testing. Allele origin: germline. Not counted in ClinVar's aggregate classification.
Comment: The NOTCH2 c.3912C>T variant is not predicted to result in an amino acid change (p.=). To our knowledge, this variant has not been reported in the literature. This variant is reported in 0.021% of alleles in individuals of African descent in gnomAD. This variant is predicted to alter splicing based on available splicing prediction software (SpliceAI, Jaganathan et al. 2019. PubMed ID: 30661751). However, the use of computer prediction softwares is not equivalent to functional evidence. Although we suspect that this variant may be benign, at this time, the clinical significance of this variant is uncertain due to the absence of conclusive functional and genetic evidence.

NM_024408.4(NOTCH2):c.3912C>T (p.Phe1304=)

Gene: NOTCH2 (notch receptor 2; minus strand). Cytogenetic location: 1p12.
Variant type: single nucleotide variant.
Coding change: c.3912C>T on transcript NM_024408.4 (MANE Select); coding-DNA position 3912, C replaced by T.
Protein change: p.Phe1304=; no amino-acid change (phenylalanine 1304 retained).
Molecular consequence: synonymous variant.
Genome position (GRCh38, 1-based): chr1:119,926,592, G>A on the plus strand (C>T on the coding strand, the complement: NOTCH2 is on the minus strand). VCF-style: chr1-119926592-G-A. GRCh37 (hg19) VCF-style: chr1-120469215-G-A.
Other names: c.3912C>T (NM_024408.3).
Identifiers: ClinVar variation 1579947 (VCV001579947.10), dbSNP rs764301517, ClinGen allele CA1039943.
Genomic context (GRCh38, chr1:119,926,592, plus strand): 5'-GTTACTGGCCACAGCACAAGTCCCTCCATTCAGGCAGGGCATCTGGGGACACACATCGAC[G>A]AAGGTTTCACAGTGCCGGCCTCAGAAAATAAAAAATAAAAAAGGTTTTAAAAGGCAGAAG-3'
Protein context (NP_077719.2, residues 1294-1314): SAFTGRHCET[Phe1304=]VDVCPQMPCL